The following is an entry in ClinVar:

ClinVar aggregate classification (germline): Uncertain significance (1 of 4 stars; one submission).

Submission:

Women's Health and Genetics/Laboratory Corporation of America, LabCorp
Classification: Uncertain significance. Last evaluated: 2025-12-02. Review status: criteria provided, single submitter. Criteria: LabCorp Variant Classification Summary - May 2015. Collection method: clinical testing. Allele origin: germline.
Comment: Variant summary: DNMT1 c.-8C>A is located in the untranslated mRNA region upstream of the initiation codon. The variant was absent in 228906 control chromosomes. The available data on variant occurrences in the general population are insufficient to allow any conclusion about variant significance. To our knowledge, no occurrence of c.-8C>A in individuals affected with DNMT1-related conditions and no experimental evidence demonstrating its impact on protein function have been reported. No submitters have cited clinical-significance assessments for this variant to ClinVar. Based on the evidence outlined above, the variant was classified as uncertain significance.

NM_001130823.3(DNMT1):c.-8C>A

Gene: DNMT1 (DNA methyltransferase 1; minus strand). Cytogenetic location: 19p13.2.
Variant type: single nucleotide variant.
Coding change: c.-8C>A on transcript NM_001130823.3 (MANE Select); 8 bases upstream of the start codon, C replaced by A.
Molecular consequence: 5 prime UTR variant.
Genome position (GRCh38, 1-based): chr19:10,194,907, G>T on the plus strand (C>A on the coding strand, the complement: DNMT1 is on the minus strand). VCF-style: chr19-10194907-G-T. GRCh37 (hg19) VCF-style: chr19-10305583-G-T.
Other names: c.-8C>A (NM_001318730.2, NM_001379.4); c.-331C>A (NM_001318731.2).
Identifiers: ClinVar variation 4688642 (VCV004688642.1).